The following is an entry in ClinVar:

NM_001079866.2(BCS1L):c.201C>T (p.Leu67=)

Gene: BCS1L (BCS1 ubiquinol-cytochrome c reductase complex chaperone; plus strand). Cytogenetic location: 2q35.
Variant type: single nucleotide variant.
Coding change: c.201C>T on transcript NM_001079866.2 (MANE Select); coding-DNA position 201, C replaced by T.
Protein change: p.Leu67=; no amino-acid change (leucine 67 retained).
Molecular consequence: synonymous variant. On other transcripts: 5 prime UTR variant (5), non-coding transcript variant (1), intron variant (3).
Genome position (GRCh38, 1-based): chr2:218,661,188, C>T. VCF-style: chr2-218661188-C-T. GRCh37 (hg19) VCF-style: chr2-219525911-C-T.
Other names: c.201C>T, p.Leu67= (NM_001257342.2, NM_001257343.2, NM_001257344.2 and 10 more transcripts); c.-276C>T (NM_001371453.1, NM_001371454.1, NM_001371455.1 and 2 more transcripts); c.-40-218C>T (NM_001371451.1, NM_001318836.2); c.-41-571C>T (NM_001371452.1).
Identifiers: ClinVar variation 290322 (VCV000290322.45), dbSNP rs142540289, ClinGen allele CA2109620.

ClinVar aggregate classification (germline): Conflicting classifications of pathogenicity. Review status: criteria provided, conflicting classifications (1 of 4 stars). 8 submissions from 6 submitters: Uncertain significance (4); Likely benign (3). 1 of the submissions does not count toward it. Last evaluated 2026-01-18.

Conditions:
GRACILE syndrome (FLNMS). Also called: FELLMAN SYNDROME; FINNISH LETHAL NEONATAL METABOLIC SYNDROME. Identifiers: Orphanet 53693, MedGen C1864002, MONDO:0011308, OMIM 603358.
Leigh syndrome (NULS). Also called: Leigh's syndrome; LEIGH SYNDROME, NUCLEAR; Leigh Disease; Leigh's necrotizing encephalopathy; Leigh's disease; Leigh Syndrome (mtDNA deletion). Identifiers: Orphanet 506, MedGen C2931891, MONDO:0009723, OMIM 256000.
Mitochondrial complex III deficiency nuclear type 1. Identifiers: Orphanet 254902, MedGen C3541471, MONDO:0007415, OMIM 124000.

Allele frequency attached by ClinVar (database versions not stated): gnomAD 0.00007 and 0.00011; ExAC 0.00009; gnomAD exomes 0.00012; ESP Exome Variant Server 0.00015; TOPMed 0.00016.
gnomAD v4.1: 191 of 1,614,206 alleles (0.012%); highest among the groups gnomAD compares: Middle Eastern, 0.099%; no homozygotes.

Submissions (8):

Labcorp Genetics (formerly Invitae), Labcorp
Classification: Likely benign. Last evaluated: 2026-01-18. Review status: criteria provided, single submitter. Criteria: Invitae Variant Classification Sherloc (09022015). Collection method: clinical testing. Allele origin: germline.

Blueprint Genetics
Classification: Likely benign. Last evaluated: 2024-11-22. Review status: criteria provided, single submitter. Criteria: ACMG Guidelines, 2015. Collection method: clinical testing. Allele origin: germline.

CeGaT Center for Human Genetics Tuebingen
Classification: Likely benign. Last evaluated: 2023-08-01. Review status: criteria provided, single submitter. Criteria: CeGaT Center For Human Genetics Tuebingen Variant Classification Criteria Version 2. Collection method: clinical testing. Allele origin: germline. Affected: yes. Observed: 1 variant allele.
Comment: BCS1L: BP4, BP7

Illumina Laboratory Services, Illumina
Classification: Uncertain significance for GRACILE syndrome. Last evaluated: 2018-01-12. Review status: criteria provided, single submitter. Criteria: ICSL Variant Classification Criteria 13 December 2019. Collection method: clinical testing. Allele origin: germline.

Illumina Laboratory Services, Illumina
Classification: Uncertain significance for Mitochondrial complex III deficiency nuclear type 1. Last evaluated: 2018-01-12. Review status: criteria provided, single submitter. Criteria: ICSL Variant Classification Criteria 13 December 2019. Collection method: clinical testing. Allele origin: germline.

Illumina Laboratory Services, Illumina
Classification: Uncertain significance for Leigh syndrome. Last evaluated: 2018-01-12. Review status: criteria provided, single submitter. Criteria: ICSL Variant Classification Criteria 13 December 2019. Collection method: clinical testing. Allele origin: germline.

Eurofins Ntd Llc (ga)
Classification: Uncertain significance. Last evaluated: 2016-08-15. Review status: criteria provided, single submitter. Criteria: EGL Classification Definitions 2015. Collection method: clinical testing. Allele origin: germline. Observed: 1 variant allele, 1 heterozygote.

Natera, Inc.
Classification: Likely benign for GRACILE syndrome. Last evaluated: 2020-04-25. Review status: no assertion criteria provided. Collection method: clinical testing. Allele origin: germline. Not counted in ClinVar's aggregate classification.